The following is an entry in ClinVar:

NM_020117.11(LARS1):c.970T>G (p.Phe324Val)

Gene: LARS1 (leucyl-tRNA synthetase 1; minus strand). Cytogenetic location: 5q32.
Variant type: single nucleotide variant.
Coding change: c.970T>G on transcript NM_020117.11 (MANE Select); coding-DNA position 970, T replaced by G.
Protein change: p.Phe324Val; replaces phenylalanine 324 with valine.
Molecular consequence: missense variant.
Genome position (GRCh38, 1-based): chr5:146,157,498, A>C on the plus strand (T>G on the coding strand, the complement: LARS1 is on the minus strand). VCF-style: chr5-146157498-A-C. GRCh37 (hg19) VCF-style: chr5-145537061-A-C.
Other names: c.832T>G, p.Phe278Val (NM_001317964.2); c.808T>G, p.Phe270Val (NM_001317965.2); c.889T>G, p.Phe297Val (NM_016460.4); short protein forms F270V, F278V, F324V, F297V.
Identifiers: ClinVar variation 1029738 (VCV001029738.1), dbSNP rs1753582790, ClinGen allele CA361612463.

ClinVar aggregate classification (germline): Uncertain significance (1 of 4 stars; one submission).

Conditions:
Infantile liver failure syndrome 1 (ILFS1). Identifiers: Orphanet 370088, MedGen C3809522, MONDO:0024568, OMIM 615438.

Submission:

Baylor Genetics
Classification: Uncertain significance for Infantile liver failure syndrome 1. Last evaluated: 2019-11-15. Review status: criteria provided, single submitter. Criteria: ACMG Guidelines, 2015. Collection method: clinical testing. Allele origin: unknown. Affected: yes.
Comment: This variant was determined to be of uncertain significance according to ACMG Guidelines, 2015 [PMID:25741868].